The following is an entry in ClinVar:

ClinVar aggregate classification (germline): Uncertain significance (1 of 4 stars; one submission).

Conditions:
Brugada syndrome. Also called: Sudden Unexplained Death Syndrome; Sudden unexplained nocturnal death syndrome; Sudden unexpected nocturnal death syndrome; Sudden Unexplained Nocturnal Death Syndrome (SUNDS). Identifiers: Orphanet 130, MedGen C1142166, MONDO:0015263.

Submission:

Labcorp Genetics (formerly Invitae), Labcorp
Classification: Uncertain significance for Brugada syndrome. Last evaluated: 2022-03-26. Review status: criteria provided, single submitter. Criteria: Invitae Variant Classification Sherloc (09022015). Collection method: clinical testing. Allele origin: germline.
Comment: In summary, the available evidence is currently insufficient to determine the role of this variant in disease. Therefore, it has been classified as a Variant of Uncertain Significance. Variants that disrupt the consensus splice site are a relatively common cause of aberrant splicing (PMID: 17576681, 9536098). Algorithms developed to predict the effect of sequence changes on RNA splicing suggest that this variant may disrupt the consensus splice site. This variant has not been reported in the literature in individuals affected with SCN10A-related conditions. This variant is not present in population databases (gnomAD no frequency). This sequence change falls in intron 12 of the SCN10A gene. It does not directly change the encoded amino acid sequence of the SCN10A protein. It affects a nucleotide within the consensus splice site.

Literature cited by the submitters: PubMed 17576681; PubMed 9536098.

NM_006514.4(SCN10A):c.1867+5G>C

Gene: SCN10A (sodium voltage-gated channel alpha subunit 10; minus strand). Cytogenetic location: 3p22.2.
Variant type: single nucleotide variant.
Coding change: c.1867+5G>C on transcript NM_006514.4 (MANE Select); 5 bases into the intron after coding-DNA position 1867, G replaced by C.
Molecular consequence: intron variant.
Genome position (GRCh38, 1-based): chr3:38,750,068, C>G on the plus strand (G>C on the coding strand, the complement: SCN10A is on the minus strand). VCF-style: chr3-38750068-C-G. GRCh37 (hg19) VCF-style: chr3-38791559-C-G.
Other names: c.1573+5G>C (NM_001293307.2); c.1867+5G>C (NM_001293306.2).
Identifiers: ClinVar variation 2117821 (VCV002117821.4), dbSNP rs749713677, ClinGen allele CA2580069776.